The following is an entry in ClinVar:

ClinVar aggregate classification (germline): Pathogenic (1 of 4 stars; one submission).

Submission:

Labcorp Genetics (formerly Invitae), Labcorp
Classification: Pathogenic. Last evaluated: 2022-09-27. Review status: criteria provided, single submitter. Criteria: Invitae Variant Classification Sherloc (09022015). Collection method: clinical testing. Allele origin: germline.
Comment: For these reasons, this variant has been classified as Pathogenic. This variant has not been reported in the literature in individuals affected with TRIO-related conditions. This variant is not present in population databases (gnomAD no frequency). This sequence change creates a premature translational stop signal (p.Phe2473Leufs*52) in the TRIO gene. It is expected to result in an absent or disrupted protein product. Loss-of-function variants in TRIO are known to be pathogenic (PMID: 26721934).

Literature cited by the submitters: PubMed 26721934.

NM_007118.4(TRIO):c.7418_7419insA (p.Phe2473fs)

Gene: TRIO (trio Rho guanine nucleotide exchange factor; plus strand). Cytogenetic location: 5p15.2.
Variant type: Insertion.
Coding change: c.7418_7419insA on transcript NM_007118.4 (MANE Select); coding-DNA positions 7418 to 7419, A inserted.
Protein change: p.Phe2473fs; shifts the reading frame from phenylalanine 2473.
Molecular consequence: frameshift variant.
Genome position: GRCh38 VCF-style: chr5-14488046-T-TA. GRCh37 (hg19) VCF-style: chr5-14488155-T-TA.
Other names: short protein forms F2473fs.
Identifiers: ClinVar variation 2032667 (VCV002032667.4), dbSNP rs2477480200, ClinGen allele CA2580072157.